The following is an entry in ClinVar:

NM_000088.4(COL1A1):c.376_383del (p.Ala126fs)

Gene: COL1A1 (collagen type I alpha 1 chain; minus strand). Cytogenetic location: 17q21.33.
Variant type: Deletion.
Coding change: c.376_383del on transcript NM_000088.4 (MANE Select); coding-DNA positions 376 to 383, 8 bases deleted (GCAGGCCC; older notation c.376_383delGCAGGCCC).
Protein change: p.Ala126fs; shifts the reading frame from alanine 126.
Molecular consequence: frameshift variant.
Genome position (GRCh38, 1-based): chr17:50,199,314-50,199,321, GGGCCTGC deleted on the plus strand (GCAGGCCC on the coding strand, the reverse complement: COL1A1 is on the minus strand); deleting any 8 consecutive bases within chr17:50,199,314-50,199,324 gives the same sequence; the c. name uses the placement nearest the transcript's 3' end. VCF-style (leftmost placement, unchanged base first): chr17-50199313-GGGGCCTGC-G. GRCh37 (hg19) VCF-style: chr17-48276674-GGGGCCTGC-G.
Other names: short protein forms A126fs.
Identifiers: ClinVar variation 2842223 (VCV002842223.3), dbSNP rs2509254137, ClinGen allele CA2739268230.

ClinVar aggregate classification (germline): Pathogenic (1 of 4 stars; one submission).

Conditions:
Osteogenesis imperfecta type I (OI1). Also called: Lobstein's Disease; Lobstein disease; Classic Non-deforming Osteogenesis Imperfecta with Blue Sclerae; OI, TYPE I; OSTEOGENESIS IMPERFECTA TARDA; OSTEOGENESIS IMPERFECTA WITH BLUE SCLERAE. Identifiers: Orphanet 216796, Orphanet 666, MedGen C0023931, MONDO:0008146, OMIM 166200. Disease mechanism: loss of function.

Submission:

Labcorp Genetics (formerly Invitae), Labcorp
Classification: Pathogenic for Osteogenesis imperfecta type I. Last evaluated: 2023-08-17. Review status: criteria provided, single submitter. Criteria: Invitae Variant Classification Sherloc (09022015). Collection method: clinical testing. Allele origin: germline.
Comment: For these reasons, this variant has been classified as Pathogenic. This variant has not been reported in the literature in individuals affected with COL1A1-related conditions. This variant is not present in population databases (gnomAD no frequency). This sequence change creates a premature translational stop signal (p.Ala126Profs*40) in the COL1A1 gene. It is expected to result in an absent or disrupted protein product. Loss-of-function variants in COL1A1 are known to be pathogenic (PMID: 7942841, 9295084, 9443882).

Literature cited by the submitters: PubMed 7942841; PubMed 9295084; PubMed 9443882.